The following is an entry in ClinVar:

NM_006516.4(SLC2A1):c.57del (p.Val20fs)

Gene: SLC2A1 (solute carrier family 2 member 1; minus strand). Cytogenetic location: 1p34.2.
Variant type: Deletion.
Coding change: c.57del on transcript NM_006516.4 (MANE Select); coding-DNA position 57, one base deleted (A; older notation c.57delA).
Protein change: p.Val20fs; shifts the reading frame from valine 20.
Molecular consequence: frameshift variant.
Genome position (GRCh38, 1-based): chr1:42,943,283, T deleted on the plus strand (A on the coding strand, the reverse complement: SLC2A1 is on the minus strand). VCF-style (leftmost placement, unchanged base first): chr1-42943282-CT-C. GRCh37 (hg19) VCF-style: chr1-43408953-CT-C.
Other names: short protein forms V20fs.
Identifiers: ClinVar variation 662668 (VCV000662668.7), dbSNP rs1570601051, ClinGen allele CA915941239.
Genomic context (GRCh38, chr1:42,943,282, plus strand): 5'-TCACCTTCTGGGGGGCATTGATGACTCCAGTGTTGTAGCCAAACTGCAGGGAGCCAAGCA[CT>C]GCTCCTCCCACGGCCAGCATGAGGCGACCCGTCAGCTTCTGCGGAGAAACAAACCACACT-3'

ClinVar aggregate classification (germline): Pathogenic (1 of 4 stars; one submission).

Conditions:
GLUT1 deficiency syndrome 1, autosomal recessive. Identifiers: MedGen C3149117.

Submission:

Labcorp Genetics (formerly Invitae), Labcorp
Classification: Pathogenic for GLUT1 deficiency syndrome 1, autosomal recessive. Last evaluated: 2018-11-05. Review status: criteria provided, single submitter. Criteria: Invitae Variant Classification Sherloc (09022015). Collection method: clinical testing. Allele origin: germline.
Comment: For these reasons, this variant has been classified as Pathogenic. Loss-of-function variants in SLC2A1 are known to be pathogenic (PMID: 21832227, 26193382). This variant has not been reported in the literature in individuals with SLC2A1-related disease. This variant is not present in population databases (ExAC no frequency). This sequence change creates a premature translational stop signal (p.Val20Cysfs*20) in the SLC2A1 gene. It is expected to result in an absent or disrupted protein product.

Literature cited by the submitters: PubMed 21832227; PubMed 26193382.